The following is an entry in ClinVar:

ClinVar aggregate classification (germline): Uncertain significance (1 of 4 stars; one submission).

Allele frequency attached by ClinVar (database versions not stated): gnomAD exomes below 0.00001.
gnomAD v4.1: 1 of 1,596,012 alleles (0.000063%); highest among the groups gnomAD compares: South Asian, 0.0011%; no homozygotes.

Submission:

Labcorp Genetics (formerly Invitae), Labcorp
Classification: Uncertain significance. Last evaluated: 2021-09-29. Review status: criteria provided, single submitter. Criteria: Invitae Variant Classification Sherloc (09022015). Collection method: clinical testing. Allele origin: germline.
Comment: This variant has not been reported in the literature in individuals affected with NSD1-related conditions. This variant is not present in population databases (ExAC no frequency). This sequence change replaces asparagine with serine at codon 607 of the NSD1 protein (p.Asn607Ser). The asparagine residue is weakly conserved and there is a small physicochemical difference between asparagine and serine. Advanced modeling of protein sequence and biophysical properties (such as structural, functional, and spatial information, amino acid conservation, physicochemical variation, residue mobility, and thermodynamic stability) performed at Invitae indicates that this missense variant is not expected to disrupt NSD1 protein function. In summary, the available evidence is currently insufficient to determine the role of this variant in disease. Therefore, it has been classified as a Variant of Uncertain Significance.

NM_022455.5(NSD1):c.1820A>G (p.Asn607Ser)

Gene: NSD1 (nuclear receptor binding SET domain protein 1; plus strand). Cytogenetic location: 5q35.3.
Variant type: single nucleotide variant.
Coding change: c.1820A>G on transcript NM_022455.5 (MANE Select); coding-DNA position 1820, A replaced by G.
Protein change: p.Asn607Ser; replaces asparagine 607 with serine.
Molecular consequence: missense variant.
Genome position (GRCh38, 1-based): chr5:177,210,219, A>G. VCF-style: chr5-177210219-A-G. GRCh37 (hg19) VCF-style: chr5-176637220-A-G.
Other names: c.947A>G, p.Asn316Ser (NM_001365684.2, NM_001409306.1, NM_001409307.1 and 3 more transcripts); c.1820A>G, p.Asn607Ser (NM_001409301.1, NM_001409302.1, NM_001409303.1); c.1400A>G, p.Asn467Ser (NM_001409304.1); c.1067A>G, p.Asn356Ser (NM_001409305.1); short protein forms N338S, N607S, N467S, N356S, N316S.
Identifiers: ClinVar variation 1478276 (VCV001478276.6), dbSNP rs1265667423, ClinGen allele CA362311542.
Genomic context (GRCh38, chr5:177,210,219, plus strand): 5'-GTGACTCTTTATTGGGCTTGCCTGAGGGTGCTTTGATCTCAAAGTGTTCTCGAGAGAAGA[A>G]TAAACCCCAACGAAGCCTGGTGTGTGGTTCAAAAGTGAAGCTCTGCTATATTGGAGCAGG-3'
Protein context (NP_071900.2, residues 597-617): ALISKCSREK[Asn607Ser]KPQRSLVCGS